The following is an entry in ClinVar:

NM_007175.8(ERLIN2):c.688G>A (p.Gly230Arg)

Gene: ERLIN2 (ER lipid raft associated 2; plus strand). Cytogenetic location: 8p11.23.
Variant type: single nucleotide variant.
Coding change: c.688G>A on transcript NM_007175.8 (MANE Select); coding-DNA position 688, G replaced by A.
Protein change: p.Gly230Arg; replaces glycine 230 with arginine.
Molecular consequence: missense variant.
Genome position (GRCh38, 1-based): chr8:37,751,664, G>A. VCF-style: chr8-37751664-G-A. GRCh37 (hg19) VCF-style: chr8-37609182-G-A.
Other names: c.688G>A, p.Gly230Arg (NM_001362878.2); short protein forms G230R.
Identifiers: ClinVar variation 569158 (VCV000569158.6), dbSNP rs752925074, ClinGen allele CA4710975.

ClinVar aggregate classification (germline): Uncertain significance. Review status: criteria provided, multiple submitters, no conflicts (2 of 4 stars). 2 submissions from 2 submitters: Uncertain significance (2). Last evaluated 2024-05-06.

Conditions:
Spastic paraplegia. Identifiers: MedGen C0037772, HP:0001258.

Allele frequency attached by ClinVar (database versions not stated): gnomAD 0.00001; TOPMed 0.00001; ExAC 0.00002; gnomAD exomes 0.00004.
gnomAD v4.1: 16 of 1,613,796 alleles (0.00099%); highest among the groups gnomAD compares: East Asian, 0.011%; no homozygotes.

Submissions (2):

Labcorp Genetics (formerly Invitae), Labcorp
Classification: Uncertain significance for Spastic paraplegia. Last evaluated: 2024-05-06. Review status: criteria provided, single submitter. Criteria: Invitae Variant Classification Sherloc (09022015). Collection method: clinical testing. Allele origin: germline.
Comment: This sequence change replaces glycine, which is neutral and non-polar, with arginine, which is basic and polar, at codon 230 of the ERLIN2 protein (p.Gly230Arg). This variant is present in population databases (rs752925074, gnomAD 0.03%). This variant has not been reported in the literature in individuals affected with ERLIN2-related conditions. ClinVar contains an entry for this variant (Variation ID: 569158). Advanced modeling of protein sequence and biophysical properties (such as structural, functional, and spatial information, amino acid conservation, physicochemical variation, residue mobility, and thermodynamic stability) performed at Invitae indicates that this missense variant is not expected to disrupt ERLIN2 protein function with a negative predictive value of 80%. In summary, the available evidence is currently insufficient to determine the role of this variant in disease. Therefore, it has been classified as a Variant of Uncertain Significance.

Breakthrough Genomics
Classification: Uncertain significance. Review status: criteria provided, single submitter. Criteria: ACMG Guidelines, 2015. Collection method: not provided. Allele origin: germline. Inheritance: Autosomal recessive inheritance. Affected: yes.